The following is an entry in ClinVar:

NM_024529.5(CDC73):c.1417+9C>T

Gene: CDC73 (cell division cycle 73; plus strand). Cytogenetic location: 1q31.2.
Variant type: single nucleotide variant.
Coding change: c.1417+9C>T on transcript NM_024529.5 (MANE Select); 9 bases into the intron after coding-DNA position 1417, C replaced by T.
Molecular consequence: intron variant.
Genome position (GRCh38, 1-based): chr1:193,236,365, C>T. VCF-style: chr1-193236365-C-T. GRCh37 (hg19) VCF-style: chr1-193205495-C-T.
Identifiers: ClinVar variation 294414 (VCV000294414.16), dbSNP rs769784756, ClinGen allele CA1303841.

ClinVar aggregate classification (germline): Conflicting classifications of pathogenicity. Review status: criteria provided, conflicting classifications (1 of 4 stars). 4 submissions from 2 submitters: Uncertain significance (1); Likely benign (3). Last evaluated 2025-10-03.

Conditions:
Parathyroid carcinoma (PRTC). Also called: Parathyroid gland carcinoma; CDC73-Related Parathyroid Carcinoma. Identifiers: Orphanet 143, MedGen C0687150, MONDO:0012004, OMIM 608266, HP:0006780.
Hyperparathyroidism 2 with jaw tumors. Also called: Hyperparathyroidism 2; HYPERPARATHYROIDISM, FAMILIAL PRIMARY, WITH MULTIPLE OSSIFYING JAW FIBROMAS; HYPERPARATHYROIDISM-JAW TUMOR SYNDROME, HEREDITARY; Hyperparathyroidism-Jaw Tumor Syndrome. Identifiers: Orphanet 99880, MedGen C1704981, MONDO:0007768, OMIM 145001.
Hyperparathyroidism 1 (HRPT1). Also called: HYPERPARATHYROIDISM, FAMILIAL ISOLATED PRIMARY. Identifiers: Orphanet 99879, MedGen C1840402, MONDO:0007767, OMIM 145000.

Allele frequency attached by ClinVar (database versions not stated): ExAC 0.00002; gnomAD exomes 0.00002; gnomAD 0.00003; TOPMed 0.00003.
gnomAD v4.1: 28 of 1,511,876 alleles (0.0019%); highest among the groups gnomAD compares: Non-Finnish European, 0.0026%; no homozygotes.

Submissions (4):

Labcorp Genetics (formerly Invitae), Labcorp
Classification: Likely benign for Parathyroid carcinoma. Last evaluated: 2025-10-03. Review status: criteria provided, single submitter. Criteria: Invitae Variant Classification Sherloc (09022015). Collection method: clinical testing. Allele origin: germline.

Illumina Laboratory Services, Illumina
Classification: Uncertain significance for Hyperparathyroidism 1. Last evaluated: 2018-01-12. Review status: criteria provided, single submitter. Criteria: ICSL Variant Classification Criteria 13 December 2019. Collection method: clinical testing. Allele origin: germline.

Illumina Laboratory Services, Illumina
Classification: Likely benign for Parathyroid carcinoma. Last evaluated: 2018-01-12. Review status: criteria provided, single submitter. Criteria: ICSL Variant Classification Criteria 13 December 2019. Collection method: clinical testing. Allele origin: germline.
Comment: This variant was observed in the ICSL laboratory as part of a predisposition screen in an ostensibly healthy population. It had not been previously curated by ICSL or reported in the Human Gene Mutation Database (HGMD: prior to June 1st, 2018), and was therefore a candidate for classification through an automated scoring system. Utilizing variant allele frequency, disease prevalence and penetrance estimates, and inheritance mode, an automated score was calculated to assess if this variant is too frequent to cause the disease. Based on the score and internal cut-off values, a variant classified as likely benign is not then subjected to further curation. The score for this variant resulted in a classification of likely benign for this disease.

Illumina Laboratory Services, Illumina
Classification: Likely benign for Hyperparathyroidism 2 with jaw tumors. Last evaluated: 2018-01-12. Review status: criteria provided, single submitter. Criteria: ICSL Variant Classification Criteria 13 December 2019. Collection method: clinical testing. Allele origin: germline.
Comment: the same text as in the submission from Illumina Laboratory Services, Illumina above.